The following is an entry in ClinVar:

NM_053025.4(MYLK):c.2759C>G (p.Ala920Gly)

Gene: MYLK (myosin light chain kinase; minus strand). Cytogenetic location: 3q21.1.
Variant type: single nucleotide variant.
Coding change: c.2759C>G on transcript NM_053025.4 (MANE Select); coding-DNA position 2759, C replaced by G.
Protein change: p.Ala920Gly; replaces alanine 920 with glycine.
Molecular consequence: missense variant.
Genome position (GRCh38, 1-based): chr3:123,700,709, G>C on the plus strand (C>G on the coding strand, the complement: MYLK is on the minus strand). VCF-style: chr3-123700709-G-C. GRCh37 (hg19) VCF-style: chr3-123419556-G-C.
Other names: c.2231C>G, p.Ala744Gly (NM_001321309.2); c.2552C>G, p.Ala851Gly (NM_053026.4, NM_053028.4); c.2759C>G, p.Ala920Gly (NM_053027.4); short protein forms A744G, A851G, A920G.
Identifiers: ClinVar variation 3359472 (VCV003359472.1).
Genomic context (GRCh38, chr3:123,700,709, plus strand): 5'-TCAGACACAGTCTTTGGCTTCACTTGCCGCTGCAGGTTGGCACGGAAATCCATCTGCTCG[G>C]CTGGGATCTCCTTCAGGTCGTCTTCCGATAGGGTCTTTGTACTCACCTTCTTCCCCAGGA-3'
Protein context (NP_444253.3, residues 910-930): LSEDDLKEIP[Ala920Gly]EQMDFRANLQ

ClinVar aggregate classification (germline): Uncertain significance (1 of 4 stars; one submission).

gnomAD v4.1: 3 of 1,614,004 alleles (0.00019%); highest among the groups gnomAD compares: Non-Finnish European, 0.00025%; no homozygotes.

Submission:

GeneDx
Classification: Uncertain significance. Last evaluated: 2023-06-05. Review status: criteria provided, single submitter. Criteria: GeneDx Variant Classification Process June 2021. Collection method: clinical testing. Allele origin: germline. Affected: yes.
Comment: Not observed at significant frequency in large population cohorts (gnomAD); In silico analysis supports that this missense variant does not alter protein structure/function; Has not been previously published as pathogenic or benign to our knowledge